The following is an entry in ClinVar:

NM_004519.4(KCNQ3):c.*5762G>A

Gene: KCNQ3 (potassium voltage-gated channel subfamily Q member 3; minus strand). Cytogenetic location: 8q24.22.
Variant type: single nucleotide variant.
Coding change: c.*5762G>A on transcript NM_004519.4 (MANE Select); 5762 bases downstream of the stop codon, G replaced by A.
Molecular consequence: 3 prime UTR variant.
Genome position (GRCh38, 1-based): chr8:132,123,500, C>T on the plus strand (G>A on the coding strand, the complement: KCNQ3 is on the minus strand). VCF-style: chr8-132123500-C-T. GRCh37 (hg19) VCF-style: chr8-133135747-C-T.
Other names: c.*5762G>A (NM_001204824.2).
Identifiers: ClinVar variation 361785 (VCV000361785.6), dbSNP rs77343115, ClinGen allele CA10627026.
Genomic context (GRCh38, chr8:132,123,500, plus strand): 5'-TCACAGCATGGAAACATCAATCTTATTCCAGAGAAGGGAAGAAGTCCCCAAAGGTATGTC[C>T]GGTTTAACAGTTTCTCAAGTGGGCCAGGAAGTTCTTTTTCATGTTCTGGGCTCAATCGTG-3'

ClinVar aggregate classification (germline): Benign (1 of 4 stars; one submission).

Conditions:
Seizures, benign familial neonatal, 2. Also called: CONVULSIONS, BENIGN FAMILIAL NEONATAL, 2; KCNQ3-Related Self-Limited Familial Neonatal Epilepsy (SLFNE); Benign Neonatal Epilepsy 2; KCNQ3-Related Benign Familial Neonatal Epilepsy; Seizures, benign neonatal, 2. Identifiers: Orphanet 1949, MedGen C1852581, MONDO:0007366, OMIM 121201.

Allele frequency attached by ClinVar (database versions not stated): gnomAD 0.00655 and 0.00723; TOPMed 0.00740; 1000 Genomes Project 30x 0.00500; 1000 Genomes Project 0.00519.

Submission:

Illumina Laboratory Services, Illumina
Classification: Benign for Seizures, benign familial neonatal, 2. Last evaluated: 2018-01-13. Review status: criteria provided, single submitter. Criteria: ICSL Variant Classification Criteria 13 December 2019. Collection method: clinical testing. Allele origin: germline.
Comment: This variant was observed in the ICSL laboratory as part of a predisposition screen in an ostensibly healthy population. It had not been previously curated by ICSL or reported in the Human Gene Mutation Database (HGMD: prior to June 1st, 2018), and was therefore a candidate for classification through an automated scoring system. Utilizing variant allele frequency, disease prevalence and penetrance estimates, and inheritance mode, an automated score was calculated to assess if this variant is too frequent to cause the disease. Based on the score and internal cut-off values, a variant classified as benign is not then subjected to further curation. The score for this variant resulted in a classification of benign for this disease.